The following is an entry in ClinVar:

NM_000979.4(RPL18):c.181C>G (p.Leu61Val)

Gene: RPL18 (ribosomal protein L18; minus strand). Cytogenetic location: 19q13.33.
Variant type: single nucleotide variant.
Coding change: c.181C>G on transcript NM_000979.4 (MANE Select); coding-DNA position 181, C replaced by G.
Protein change: p.Leu61Val; replaces leucine 61 with valine.
Molecular consequence: missense variant. On other transcripts: non-coding transcript variant (1).
Genome position (GRCh38, 1-based): chr19:48,617,333, G>C on the plus strand (C>G on the coding strand, the complement: RPL18 is on the minus strand). VCF-style: chr19-48617333-G-C. GRCh37 (hg19) VCF-style: chr19-49120590-G-C.
Other names: c.94C>G, p.Leu32Val (NM_001270490.2); c.181C>G (NM_000979.2); short protein forms L61V, L32V.
Identifiers: ClinVar variation 2871912 (VCV002871912.4), dbSNP rs759454766, ClinGen allele CA9554257.

ClinVar aggregate classification (germline): Uncertain significance. Review status: criteria provided, multiple submitters, no conflicts (2 of 4 stars). 2 submissions from 2 submitters: Uncertain significance (2). Last evaluated 2025-10-29.

gnomAD v4.1: 56 of 1,614,110 alleles (0.0035%); highest among the groups gnomAD compares: South Asian, 0.061%; 1 homozygote.

Submissions (2):

Ambry Genetics
Classification: Uncertain significance. Last evaluated: 2025-10-29. Review status: criteria provided, single submitter. Criteria: Ambry Variant Classification Scheme 2023. Collection method: clinical testing. Allele origin: germline.

Labcorp Genetics (formerly Invitae), Labcorp
Classification: Uncertain significance. Last evaluated: 2023-09-08. Review status: criteria provided, single submitter. Criteria: Invitae Variant Classification Sherloc (09022015). Collection method: clinical testing. Allele origin: germline.
Comment: In summary, the available evidence is currently insufficient to determine the role of this variant in disease. Therefore, it has been classified as a Variant of Uncertain Significance. An algorithm developed to predict the effect of missense changes on protein structure and function (PolyPhen-2) suggests that this variant is likely to be tolerated. This variant has not been reported in the literature in individuals affected with RPL18-related conditions. This variant is present in population databases (rs759454766, gnomAD 0.06%), and has an allele count higher than expected for a pathogenic variant. This sequence change replaces leucine, which is neutral and non-polar, with valine, which is neutral and non-polar, at codon 61 of the RPL18 protein (p.Leu61Val).